The following is an entry in ClinVar:

NM_001365276.2(TNXB):c.4209C>T (p.Thr1403=)

Gene: TNXB (tenascin XB; minus strand). Cytogenetic location: 6p21.33.
Variant type: single nucleotide variant.
Coding change: c.4209C>T on transcript NM_001365276.2 (MANE Select); coding-DNA position 4209, C replaced by T.
Protein change: p.Thr1403=; no amino-acid change (threonine 1403 retained).
Molecular consequence: synonymous variant.
Genome position (GRCh38, 1-based): chr6:32,079,199, G>A on the plus strand (C>T on the coding strand, the complement: TNXB is on the minus strand). VCF-style: chr6-32079199-G-A. GRCh37 (hg19) VCF-style: chr6-32046976-G-A.
Other names: p.Thr1403=; c.4209C>T, p.Thr1403= (NM_019105.8).
Identifiers: ClinVar variation 809904 (VCV000809904.53), dbSNP rs148934769, ClinGen allele CA3735008.

ClinVar aggregate classification (germline): Likely benign. Review status: criteria provided, multiple submitters, no conflicts (2 of 4 stars). 11 submissions from 11 submitters: Likely benign (9). 2 of the submissions do not count toward it. Last evaluated 2026-06-08.

Conditions:
Ehlers-Danlos syndrome due to tenascin-X deficiency (EDSCLL1). Also called: EDS DUE TO TNX DEFICIENCY; EHLERS-DANLOS SYNDROME, CLASSIC-LIKE; Ehlers-Danlos syndrome, classic-like, 1; TNXB-Related Classical-Like Ehlers-Danlos Syndrome; TNX DEFICIENCY. Identifiers: Orphanet 230839, MedGen C1848029, MONDO:0011670, OMIM 606408.
Vesicoureteral reflux 8 (VUR8). Identifiers: Orphanet 289365, MedGen C4014831, MONDO:0014422, OMIM 615963.
Cardiovascular phenotype. Identifiers: MedGen CN230736.

Allele frequency attached by ClinVar (database versions not stated): gnomAD 0.00047 and 0.00055; ESP Exome Variant Server 0.00052; TOPMed 0.00066; gnomAD exomes 0.00067 and 0.00079; ExAC 0.00110; 1000 Genomes Project 30x 0.00141; 1000 Genomes Project 0.00180.
gnomAD v4.1: 1,138 of 1,613,884 alleles (0.071%); highest among the groups gnomAD compares: Middle Eastern, 0.75%; 8 homozygotes.

Submissions (11):

Women's Health and Genetics/Laboratory Corporation of America, LabCorp
Classification: Likely benign. Last evaluated: 2026-06-08. Review status: criteria provided, single submitter. Criteria: LabCorp Variant Classification Summary - May 2015. Collection method: clinical testing. Allele origin: germline.

Labcorp Genetics (formerly Invitae), Labcorp
Classification: Likely benign. Last evaluated: 2026-01-19. Review status: criteria provided, single submitter. Criteria: Invitae Variant Classification Sherloc (09022015). Collection method: clinical testing. Allele origin: germline.

CeGaT Center for Human Genetics Tuebingen
Classification: Likely benign. Last evaluated: 2025-11-01. Review status: criteria provided, single submitter. Criteria: CeGaT Center For Human Genetics Tuebingen Variant Classification Criteria Version 2. Collection method: clinical testing. Allele origin: germline. Affected: yes. Observed: 9 variant alleles.
Comment: TNXB: BP4, BP7

Mayo Clinic Laboratories, Mayo Clinic
Classification: Likely benign. Last evaluated: 2025-06-30. Review status: criteria provided, single submitter. Criteria: ACMG Guidelines, 2015. Collection method: clinical testing. Allele origin: germline. Observed: 6 variant alleles.
Comment: BP4, BP7

Blueprint Genetics
Classification: Likely benign. Last evaluated: 2024-11-15. Review status: criteria provided, single submitter. Criteria: ACMG Guidelines, 2015. Collection method: clinical testing. Allele origin: germline.

Fulgent Genetics
Classification: Likely benign for Ehlers-Danlos syndrome due to tenascin-X deficiency; Vesicoureteral reflux 8. Last evaluated: 2022-01-03. Review status: criteria provided, single submitter. Criteria: ACMG Guidelines, 2015. Collection method: clinical testing. Allele origin: unknown.

GeneDx
Classification: Likely benign. Last evaluated: 2021-03-19. Review status: criteria provided, single submitter. Criteria: GeneDx Variant Classification Process June 2021. Collection method: clinical testing. Allele origin: germline. Affected: yes.

Ambry Genetics
Classification: Likely benign for Cardiovascular phenotype. Last evaluated: 2019-06-07. Review status: criteria provided, single submitter. Criteria: Ambry Variant Classification Scheme 2023. Collection method: clinical testing. Allele origin: germline.

Breakthrough Genomics
Classification: Likely benign. Review status: criteria provided, single submitter. Criteria: ACMG Guidelines, 2015. Collection method: not provided. Allele origin: germline. Inheritance: Autosomal recessive inheritance. Affected: yes.

Genome Diagnostics Laboratory, Amsterdam University Medical Center
Classification: Likely benign. Review status: no assertion criteria provided. Collection method: clinical testing. Allele origin: germline. Affected: yes. Study: VKGL Data-share Consensus. Not counted in ClinVar's aggregate classification.

Genome Diagnostics Laboratory, University Medical Center Utrecht
Classification: Likely benign. Review status: no assertion criteria provided. Collection method: clinical testing. Allele origin: germline. Affected: yes. Study: VKGL Data-share Consensus. Not counted in ClinVar's aggregate classification.